The following is an entry in ClinVar:

NM_006031.6(PCNT):c.2603_2604delinsAT (p.Arg868His)

Gene: PCNT (pericentrin; plus strand). Cytogenetic location: 21q22.3.
Variant type: Indel.
Coding change: c.2603_2604delinsAT on transcript NM_006031.6 (MANE Select); coding-DNA positions 2603 to 2604, GG replaced by AT.
Protein change: p.Arg868His; replaces arginine 868 with histidine.
Molecular consequence: missense variant.
Genome position (GRCh38, 1-based): chr21:46,363,928-46,363,929, GG replaced by AT. VCF-style: chr21-46363928-GG-AT. GRCh37 (hg19) VCF-style: chr21-47783843-GG-AT.
Other names: c.2249_2250delinsAT, p.Arg750His (NM_001315529.2); short protein forms R750H, R868H.
Identifiers: ClinVar variation 4999843 (VCV004999843.1).

ClinVar aggregate classification (germline): Uncertain significance (1 of 4 stars; one submission).

Conditions:
PCNT-related disorder. Also called: PCNT-related condition.

Submission:

PreventionGenetics, part of Exact Sciences
Classification: Uncertain significance for PCNT-related condition. Last evaluated: 2025-05-14. Review status: criteria provided, single submitter. Criteria: ACMG Guidelines, 2015. Collection method: clinical testing. Allele origin: germline.
Comment: The PCNT c.2603_2604delinsAT variant is predicted to result in an in-frame deletion and insertion. To our knowledge, this variant has not been reported in the literature or in a large population database (gnomAD), indicating this variant is rare. At this time, the clinical significance of this variant is uncertain due to the absence of conclusive functional and genetic evidence.